The following is an entry in ClinVar:

NM_001904.4(CTNNB1):c.1936T>C (p.Ser646Pro)

Gene: CTNNB1 (catenin beta 1; plus strand). Cytogenetic location: 3p22.1.
Variant type: single nucleotide variant.
Coding change: c.1936T>C on transcript NM_001904.4 (MANE Select); coding-DNA position 1936, T replaced by C.
Protein change: p.Ser646Pro; replaces serine 646 with proline.
Molecular consequence: missense variant.
Genome position (GRCh38, 1-based): chr3:41,236,481, T>C. VCF-style: chr3-41236481-T-C. GRCh37 (hg19) VCF-style: chr3-41277972-T-C.
Other names: c.1936T>C, p.Ser646Pro (NM_001098209.2, NM_001098210.2); c.1915T>C, p.Ser639Pro (NM_001330729.2); short protein forms S639P, S646P.
Identifiers: ClinVar variation 1710547 (VCV001710547.2), dbSNP rs2470847582, ClinGen allele CA352236374.
Genomic context (GRCh38, chr3:41,236,481, plus strand): 5'-GAAGCTGCAGAAGCTATTGAAGCTGAGGGAGCCACAGCTCCTCTGACAGAGTTACTTCAC[T>C]CTAGGAATGAAGGTGTGGGTAAGTAAAAAGGAACCAAAGCCTTTAGCAGATGTGTACATT-3'
Protein context (NP_001895.1, residues 636-656): ATAPLTELLH[Ser646Pro]RNEGVATYAA

ClinVar aggregate classification (germline): Uncertain significance (1 of 4 stars; one submission).

Submission:

GeneDx
Classification: Uncertain significance. Last evaluated: 2022-04-11. Review status: criteria provided, single submitter. Criteria: GeneDx Variant Classification Process June 2021. Collection method: clinical testing. Allele origin: germline. Affected: yes.
Comment: Not observed at significant frequency in large population cohorts (gnomAD); In silico analysis supports that this missense variant has a deleterious effect on protein structure/function; Has not been previously published as pathogenic or benign to our knowledge